The following is an entry in ClinVar:

ClinVar aggregate classification (germline): Likely pathogenic (1 of 4 stars; one submission).

Conditions:
Walker-Warburg congenital muscular dystrophy. Also called: Muscular dystrophy-dystroglycanopathy, type A; Walker-Warburg syndrome. Identifiers: Orphanet 899, MedGen C0265221, MONDO:0000171.

gnomAD v4.1: 3 of 1,549,184 alleles (0.00019%); highest among the groups gnomAD compares: East Asian, 0.0024%; no homozygotes.

Submission:

Labcorp Genetics (formerly Invitae), Labcorp
Classification: Likely pathogenic for Walker-Warburg congenital muscular dystrophy. Last evaluated: 2025-11-19. Review status: criteria provided, single submitter. Criteria: Invitae Variant Classification Sherloc (09022015). Collection method: clinical testing. Allele origin: germline.
Comment: This sequence change replaces glycine, which is neutral and non-polar, with arginine, which is basic and polar, at codon 288 of the FKRP protein (p.Gly288Arg). This variant is not present in population databases (gnomAD no frequency). This variant has not been reported in the literature in individuals affected with FKRP-related conditions. ClinVar contains an entry for this variant (Variation ID: 3705066). Invitae Evidence Modeling of protein sequence and biophysical properties (such as structural, functional, and spatial information, amino acid conservation, physicochemical variation, residue mobility, and thermodynamic stability) indicates that this missense variant is expected to disrupt FKRP protein function with a positive predictive value of 95%. This variant disrupts the p.Gly288 amino acid residue in FKRP. Other variant(s) that disrupt this residue have been determined to be pathogenic (internal data). This suggests that this residue is clinically significant, and that variants that disrupt this residue are likely to be disease-causing. In summary, the currently available evidence indicates that the variant is pathogenic, but additional data are needed to prove that conclusively. Therefore, this variant has been classified as Likely Pathogenic.

NM_024301.5(FKRP):c.862G>C (p.Gly288Arg)

Gene: FKRP (fukutin related protein; plus strand). Cytogenetic location: 19q13.32.
Variant type: single nucleotide variant.
Coding change: c.862G>C on transcript NM_024301.5 (MANE Select); coding-DNA position 862, G replaced by C.
Protein change: p.Gly288Arg; replaces glycine 288 with arginine.
Molecular consequence: missense variant.
Genome position (GRCh38, 1-based): chr19:46,756,312, G>C. VCF-style: chr19-46756312-G-C. GRCh37 (hg19) VCF-style: chr19-47259569-G-C.
Other names: c.862G>C, p.Gly288Arg (NM_001039885.3); short protein forms G288R.
Identifiers: ClinVar variation 3705066 (VCV003705066.2).